The following is an entry in ClinVar:

ClinVar aggregate classification (germline): Benign/Likely benign. Review status: criteria provided, multiple submitters, no conflicts (2 of 4 stars). 3 submissions from 3 submitters: Benign (1); Likely benign (1). 1 of the submissions does not count toward it. Last evaluated 2025-07-05.

Conditions:
ZNF687-related disorder. Also called: ZNF687-related condition.

Allele frequency attached by ClinVar (database versions not stated): 1000 Genomes Project 30x 0.00016; 1000 Genomes Project 0.00020; ESP Exome Variant Server 0.00023; gnomAD 0.00026; TOPMed 0.00027; ExAC 0.00145.
gnomAD v4.1: 660 of 1,566,424 alleles (0.042%); highest among the groups gnomAD compares: South Asian, 0.18%; 2 homozygotes.

Submissions (3):

Labcorp Genetics (formerly Invitae), Labcorp
Classification: Benign. Last evaluated: 2025-07-05. Review status: criteria provided, single submitter. Criteria: Invitae Variant Classification Sherloc (09022015). Collection method: clinical testing. Allele origin: germline.

CeGaT Center for Human Genetics Tuebingen
Classification: Likely benign. Last evaluated: 2022-06-01. Review status: criteria provided, single submitter. Criteria: CeGaT Center For Human Genetics Tuebingen Variant Classification Criteria Version 2. Collection method: clinical testing. Allele origin: germline. Affected: yes. Observed: 1 variant allele.
Comment: ZNF687: BP4, BP7

PreventionGenetics, part of Exact Sciences
Classification: Likely benign for ZNF687-related condition. Last evaluated: 2019-05-23. Review status: no assertion criteria provided. Collection method: clinical testing. Allele origin: germline. Not counted in ClinVar's aggregate classification.
Comment: This variant is classified as likely benign based on ACMG/AMP sequence variant interpretation guidelines (Richards et al. 2015 PMID: 25741868, with internal and published modifications).

NM_020832.3(ZNF687):c.2901G>C (p.Leu967=)

Gene: ZNF687 (zinc finger protein 687; plus strand). Cytogenetic location: 1q21.3.
Variant type: single nucleotide variant.
Coding change: c.2901G>C on transcript NM_020832.3 (MANE Select); coding-DNA position 2901, G replaced by C.
Protein change: p.Leu967=; no amino-acid change (leucine 967 retained).
Molecular consequence: synonymous variant.
Genome position (GRCh38, 1-based): chr1:151,289,944, G>C. VCF-style: chr1-151289944-G-C. GRCh37 (hg19) VCF-style: chr1-151262420-G-C.
Other names: c.2901G>C, p.Leu967= (NM_001304763.2, NM_001304764.2); c.2901G>C (NM_020832.2).
Identifiers: ClinVar variation 2049542 (VCV002049542.29), dbSNP rs199686732, ClinGen allele CA1088672.